The following is an entry in ClinVar:

ClinVar aggregate classification (germline): Likely benign. Review status: criteria provided, single submitter (1 of 4 stars). 2 submissions from 2 submitters: Likely benign (1). 1 of the submissions does not count toward it. Last evaluated 2017-08-31.

Conditions:
Hereditary sensory and autonomic neuropathy with spastic paraplegia (HSNSP). Identifiers: Orphanet 139578, MedGen C1850395, MONDO:0009748, OMIM 256840.
CCT5-related disorder. Also called: CCT5-related condition.

Allele frequency attached by ClinVar (database versions not stated): TOPMed below 0.00001; ExAC 0.00001; gnomAD 0.00001; gnomAD exomes 0.00001 and 0.00002.
gnomAD v4.1: 11 of 1,613,964 alleles (0.00068%); highest among the groups gnomAD compares: Non-Finnish European, 0.00085%; no homozygotes.

Submissions (2):

Labcorp Genetics (formerly Invitae), Labcorp
Classification: Likely benign for Hereditary sensory and autonomic neuropathy with spastic paraplegia. Last evaluated: 2017-08-31. Review status: criteria provided, single submitter. Criteria: Invitae Variant Classification Sherloc (09022015). Collection method: clinical testing. Allele origin: germline.

PreventionGenetics, part of Exact Sciences
Classification: Likely benign for CCT5-related condition. Last evaluated: 2023-10-02. Review status: no assertion criteria provided. Collection method: clinical testing. Allele origin: germline. Not counted in ClinVar's aggregate classification.
Comment: This variant is classified as likely benign based on ACMG/AMP sequence variant interpretation guidelines (Richards et al. 2015 PMID: 25741868, with internal and published modifications).

NM_012073.5(CCT5):c.724-6C>T

Gene: CCT5 (chaperonin containing TCP1 subunit 5; plus strand). Cytogenetic location: 5p15.2.
Variant type: single nucleotide variant.
Coding change: c.724-6C>T on transcript NM_012073.5 (MANE Select); 6 bases into the intron before coding-DNA position 724, C replaced by T.
Molecular consequence: intron variant.
Genome position (GRCh38, 1-based): chr5:10,258,380, C>T. VCF-style: chr5-10258380-C-T. GRCh37 (hg19) VCF-style: chr5-10258492-C-T.
Other names: c.661-6C>T (NM_001306153.1); c.559-6C>T (NM_001306154.2); c.610-6C>T (NM_001306156.2); c.445-6C>T (NM_001306155.2); c.724-6C>T (NM_012073.4).
Identifiers: ClinVar variation 533942 (VCV000533942.10), dbSNP rs781230840, ClinGen allele CA3198158.